The following is an entry in ClinVar:

ClinVar aggregate classification (germline): Uncertain significance (1 of 4 stars; one submission).

Submission:

Labcorp Genetics (formerly Invitae), Labcorp
Classification: Uncertain significance. Last evaluated: 2023-08-25. Review status: criteria provided, single submitter. Criteria: Invitae Variant Classification Sherloc (09022015). Collection method: clinical testing. Allele origin: germline.
Comment: In summary, the available evidence is currently insufficient to determine the role of this variant in disease. Therefore, it has been classified as a Variant of Uncertain Significance. Advanced modeling of protein sequence and biophysical properties (such as structural, functional, and spatial information, amino acid conservation, physicochemical variation, residue mobility, and thermodynamic stability) performed at Invitae indicates that this missense variant is not expected to disrupt SYT2 protein function. This variant has not been reported in the literature in individuals affected with SYT2-related conditions. This variant is not present in population databases (gnomAD no frequency). This sequence change replaces glutamic acid, which is acidic and polar, with alanine, which is neutral and non-polar, at codon 134 of the SYT2 protein (p.Glu134Ala).

NM_177402.5(SYT2):c.401A>C (p.Glu134Ala)

Gene: SYT2 (synaptotagmin 2; minus strand). Cytogenetic location: 1q32.1.
Variant type: single nucleotide variant.
Coding change: c.401A>C on transcript NM_177402.5 (MANE Select); coding-DNA position 401, A replaced by C.
Protein change: p.Glu134Ala; replaces glutamic acid 134 with alanine.
Molecular consequence: missense variant.
Genome position (GRCh38, 1-based): chr1:202,603,063, T>G on the plus strand (A>C on the coding strand, the complement: SYT2 is on the minus strand). VCF-style: chr1-202603063-T-G. GRCh37 (hg19) VCF-style: chr1-202572191-T-G.
Other names: c.401A>C, p.Glu134Ala (NM_001136504.1); short protein forms E134A.
Identifiers: ClinVar variation 2801072 (VCV002801072.3), dbSNP rs199985621, ClinGen allele CA344258784.
Genomic context (GRCh38, chr1:202,603,063, plus strand): 5'-TTAGCCTGAAAATCATAGTCCAGGGAAAACTGCAGTTTGCCCAGGTTCTCTGGCTCTTTC[T>G]CCTCCTCCCCTTCACCTTCCCCCTCAGTCAGGCCTGTCTCTGCGTCGTCGTCATCCTGTG-3'
Protein context (NP_796376.2, residues 124-144): LTEGEGEGEE[Glu134Ala]KEPENLGKLQ